The following is an entry in ClinVar:

NM_001405607.1(PBRM1):c.1435G>A (p.Val479Ile)

Gene: PBRM1 (polybromo 1; minus strand). Cytogenetic location: 3p21.1.
Variant type: single nucleotide variant.
Coding change: c.1435G>A on transcript NM_001405607.1 (MANE Select); coding-DNA position 1435, G replaced by A.
Protein change: p.Val479Ile; replaces valine 479 with isoleucine.
Molecular consequence: missense variant. On other transcripts: 5 prime UTR variant (3), non-coding transcript variant (2).
Genome position (GRCh38, 1-based): chr3:52,628,902, C>T on the plus strand (G>A on the coding strand, the complement: PBRM1 is on the minus strand). VCF-style: chr3-52628902-C-T. GRCh37 (hg19) VCF-style: chr3-52662918-C-T.
Other names: c.1498G>A, p.Val500Ile (NM_001350074.2, NM_001350076.2, NM_001350078.2 and 7 more transcripts); c.1435G>A, p.Val479Ile (NM_001350075.2, NM_001394867.1, NM_001394868.1 and 72 more transcripts); c.1489G>A, p.Val497Ile (NM_001350077.2, NM_001366073.2, NM_001394870.1 and 3 more transcripts); c.1486G>A, p.Val496Ile (NM_001366074.2); c.1393G>A, p.Val465Ile (NM_001366076.2); c.1399G>A, p.Val467Ile (NM_001394878.1); c.1339G>A, p.Val447Ile (NM_001394879.1, NM_001400487.1, NM_001405572.1 and 6 more transcripts); c.1456G>A, p.Val486Ile (NM_001400472.1); and 12 more; short protein forms V100I, V417I, V431I, V440I, V446I, V447I, V456I, V465I.
Identifiers: ClinVar variation 3764512 (VCV003764512.1).

ClinVar aggregate classification (germline): Uncertain significance (1 of 4 stars; one submission).

Conditions:
Hereditary cancer. Identifiers: MedGen C1333600.

gnomAD v4.1: 11 of 1,613,664 alleles (0.00068%); highest among the groups gnomAD compares: Non-Finnish European, 0.00093%; no homozygotes.

Submission:

Mendelics
Classification: Uncertain significance for Hereditary cancer. Last evaluated: 2025-02-04. Review status: criteria provided, single submitter. Criteria: ACMG Guidelines, 2015. Collection method: clinical testing. Allele origin: unknown.
Comment: The available evidence is insufficient to conclusively determine the role of this variant. Therefore, it is classified as a Variant of Uncertain Significance.